The following is an entry in ClinVar:

ClinVar aggregate classification (germline): Likely pathogenic (0 of 4 stars; one submission).

Conditions:
Mitochondrial DNA depletion syndrome 13. Also called: Mitochondrial DNA depletion syndrome 13 (encephalomyopathic type); FBXL4-Related Encephalomyopathic Mitochondrial DNA Depletion Syndrome. Identifiers: Orphanet 369897, MedGen C3809592, MONDO:0014198, OMIM 615471.

Submission:

Institute of Medical Genetics and Genomics, Sir Ganga Ram Hospital
Classification: Likely pathogenic for Mitochondrial DNA depletion syndrome 13. Last evaluated: 2022-02-15. Review status: no assertion criteria provided. Collection method: clinical testing. Allele origin: germline. Inheritance: Autosomal recessive inheritance. Affected: yes. Observed: 1 homozygote.
Comment: There were features of metabolic acidosis, hyperammonaemia and increased lactate to pyruvate ratio.

NM_001278716.2(FBXL4):c.1787del (p.Ser596fs)

Gene: FBXL4 (F-box and leucine rich repeat protein 4; minus strand). Cytogenetic location: 6q16.1.
Variant type: Deletion.
Coding change: c.1787del on transcript NM_001278716.2 (MANE Select); coding-DNA position 1787, one base deleted (C; older notation c.1787delC).
Protein change: p.Ser596fs; shifts the reading frame from serine 596.
Molecular consequence: frameshift variant. On other transcripts: non-coding transcript variant (1).
Genome position (GRCh38, 1-based): chr6:98,874,357, G deleted on the plus strand (C on the coding strand, the reverse complement: FBXL4 is on the minus strand). VCF-style (leftmost placement, unchanged base first): chr6-98874356-CG-C. GRCh37 (hg19) VCF-style: chr6-99322232-CG-C.
Other names: c.1787delC (NM_001278716.2); c.1787del, p.Ser596fs (NM_012160.5); short protein forms S596fs.
Identifiers: ClinVar variation 1341563 (VCV001341563.3), dbSNP rs2128374840, ClinGen allele CA2573052757.
Genomic context (GRCh38, chr6:98,874,356, plus strand): 5'-TTTTATGAACACTTTTGGAAAGCTTGCATTCAGTTCTAGCACAGCTCTGTTATCAATCTG[CG>C]AACAGAAGGACACATCAAGTAAAGAAAGATCTTTACAAGATTCCAGGAGTTTTCTTAAGG-3'